The following is an entry in ClinVar:

NM_182914.3(SYNE2):c.4102C>G (p.His1368Asp)

Gene: SYNE2 (spectrin repeat containing nuclear envelope protein 2; plus strand). Cytogenetic location: 14q23.2.
Variant type: single nucleotide variant.
Coding change: c.4102C>G on transcript NM_182914.3 (MANE Select); coding-DNA position 4102, C replaced by G.
Protein change: p.His1368Asp; replaces histidine 1368 with aspartic acid.
Molecular consequence: missense variant.
Genome position (GRCh38, 1-based): chr14:64,003,035, C>G. VCF-style: chr14-64003035-C-G. GRCh37 (hg19) VCF-style: chr14-64469753-C-G.
Other names: c.4102C>G, p.His1368Asp (NM_015180.6); short protein forms H1368D.
Identifiers: ClinVar variation 942608 (VCV000942608.7), dbSNP rs1166480761, ClinGen allele CA389998458.

ClinVar aggregate classification (germline): Uncertain significance (1 of 4 stars; one submission).

Conditions:
Emery-Dreifuss muscular dystrophy 5, autosomal dominant (EDMD5). Also called: EMERY-DREIFUSS MUSCULAR DYSTROPHY 5. Identifiers: Orphanet 261, MedGen C2751805, MONDO:0013072, OMIM 612999.

Allele frequency attached by ClinVar (database versions not stated): gnomAD exomes below 0.00001; TOPMed 0.00001.
gnomAD v4.1: 3 of 1,614,092 alleles (0.00019%); highest among the groups gnomAD compares: Admixed American, 0.0017%; no homozygotes.

Submission:

Labcorp Genetics (formerly Invitae), Labcorp
Classification: Uncertain significance for Emery-Dreifuss muscular dystrophy 5, autosomal dominant. Last evaluated: 2023-05-22. Review status: criteria provided, single submitter. Criteria: Invitae Variant Classification Sherloc (09022015). Collection method: clinical testing. Allele origin: germline.
Comment: This sequence change replaces histidine, which is basic and polar, with aspartic acid, which is acidic and polar, at codon 1368 of the SYNE2 protein (p.His1368Asp). This variant is not present in population databases (gnomAD no frequency). This variant has not been reported in the literature in individuals affected with SYNE2-related conditions. ClinVar contains an entry for this variant (Variation ID: 942608). Algorithms developed to predict the effect of missense changes on protein structure and function output the following: SIFT: "Not Available"; PolyPhen-2: "Benign"; Align-GVGD: "Not Available". The aspartic acid amino acid residue is found in multiple mammalian species, which suggests that this missense change does not adversely affect protein function. In summary, the available evidence is currently insufficient to determine the role of this variant in disease. Therefore, it has been classified as a Variant of Uncertain Significance.